The following is an entry in ClinVar:

NM_013432.5(TONSL):c.3085+6G>C

Gene: TONSL (tonsoku like, DNA repair protein; minus strand). Cytogenetic location: 8q24.3.
Variant type: single nucleotide variant.
Coding change: c.3085+6G>C on transcript NM_013432.5 (MANE Select); 6 bases into the intron after coding-DNA position 3085, G replaced by C.
Molecular consequence: intron variant.
Genome position (GRCh38, 1-based): chr8:144,434,805, C>G on the plus strand (G>C on the coding strand, the complement: TONSL is on the minus strand). VCF-style: chr8-144434805-C-G. GRCh37 (hg19) VCF-style: chr8-145660188-C-G.
Identifiers: ClinVar variation 2054136 (VCV002054136.2), dbSNP rs750174732, ClinGen allele CA4942608.

ClinVar aggregate classification (germline): Uncertain significance (1 of 4 stars; one submission).

Allele frequency attached by ClinVar (database versions not stated): gnomAD exomes below 0.00001; ExAC 0.00001; TOPMed 0.00003; gnomAD 0.00009.
gnomAD v4.1: 20 of 1,613,134 alleles (0.0012%); highest among the groups gnomAD compares: African/African-American, 0.024%; no homozygotes.

Submission:

Labcorp Genetics (formerly Invitae), Labcorp
Classification: Uncertain significance. Last evaluated: 2024-11-04. Review status: criteria provided, single submitter. Criteria: Invitae Variant Classification Sherloc (09022015). Collection method: clinical testing. Allele origin: germline.
Comment: This sequence change falls in intron 20 of the TONSL gene. It does not directly change the encoded amino acid sequence of the TONSL protein. It affects a nucleotide within the consensus splice site. This variant is present in population databases (rs750174732, gnomAD 0.03%). This variant has not been reported in the literature in individuals affected with TONSL-related conditions. ClinVar contains an entry for this variant (Variation ID: 2054136). Variants that disrupt the consensus splice site are a relatively common cause of aberrant splicing (PMID: 17576681, 9536098). Algorithms developed to predict the effect of sequence changes on RNA splicing suggest that this variant is not likely to affect RNA splicing. In summary, the available evidence is currently insufficient to determine the role of this variant in disease. Therefore, it has been classified as a Variant of Uncertain Significance.

Literature cited by the submitters: PubMed 17576681; PubMed 9536098.